The following is an entry in ClinVar:

ClinVar aggregate classification (germline): Benign/Likely benign. Review status: criteria provided, multiple submitters, no conflicts (2 of 4 stars). 8 submissions from 8 submitters: Benign (7); Likely benign (1). Last evaluated 2026-08-01.

Conditions:
Myopathy, proximal, and ophthalmoplegia (CMYO6). Also called: CONGENITAL MYOPATHY 6 WITH OPHTHALMOPLEGIA; MYOPATHY WITH CONGENITAL JOINT CONTRACTURES, OPHTHALMOPLEGIA, AND RIMMED VACUOLES; INCLUSION BODY MYOPATHY 3, AUTOSOMAL DOMINANT. Identifiers: Orphanet 363677, Orphanet 79091, MedGen C1854106, MONDO:0011577, OMIM 605637.

Allele frequency attached by ClinVar (database versions not stated): gnomAD exomes 0.00107 and 0.00181; ExAC 0.00392; ESP Exome Variant Server 0.00684; gnomAD 0.01043 and 0.01110; 1000 Genomes Project 30x 0.01546; TOPMed 0.01645.

Submissions (8):

CeGaT Center for Human Genetics Tuebingen
Classification: Benign. Last evaluated: 2026-08-01. Review status: criteria provided, single submitter. Criteria: CeGaT Center For Human Genetics Tuebingen Variant Classification Criteria Version 2. Collection method: clinical testing. Allele origin: germline. Affected: yes. Observed: 2 variant alleles.
Comment: MYH2: BP4, BP7, BS1, BS2

Labcorp Genetics (formerly Invitae), Labcorp
Classification: Benign for Myopathy, proximal, and ophthalmoplegia. Last evaluated: 2026-02-02. Review status: criteria provided, single submitter. Criteria: Invitae Variant Classification Sherloc (09022015). Collection method: clinical testing. Allele origin: germline.

Mayo Clinic Laboratories, Mayo Clinic
Classification: Benign. Last evaluated: 2025-08-08. Review status: criteria provided, single submitter. Criteria: ACMG Guidelines, 2015. Collection method: clinical testing. Allele origin: germline. Observed: 2 variant alleles.
Comment: BS1, BS2, BP4, BP7

Fulgent Genetics
Classification: Likely benign for Myopathy, proximal, and ophthalmoplegia. Last evaluated: 2022-01-13. Review status: criteria provided, single submitter. Criteria: ACMG Guidelines, 2015. Collection method: clinical testing. Allele origin: unknown.

GeneDx
Classification: Benign. Last evaluated: 2019-10-16. Review status: criteria provided, single submitter. Criteria: GeneDx Variant Classification Process June 2021. Collection method: clinical testing. Allele origin: germline. Affected: yes.

Illumina Laboratory Services, Illumina
Classification: Benign for Myopathy, proximal, and ophthalmoplegia. Last evaluated: 2018-01-13. Review status: criteria provided, single submitter. Criteria: ICSL Variant Classification Criteria 13 December 2019. Collection method: clinical testing. Allele origin: germline.
Comment: This variant was observed in the ICSL laboratory as part of a predisposition screen in an ostensibly healthy population. It had not been previously curated by ICSL or reported in the Human Gene Mutation Database (HGMD: prior to June 1st, 2018), and was therefore a candidate for classification through an automated scoring system. Utilizing variant allele frequency, disease prevalence and penetrance estimates, and inheritance mode, an automated score was calculated to assess if this variant is too frequent to cause the disease. Based on the score and internal cut-off values, a variant classified as benign is not then subjected to further curation. The score for this variant resulted in a classification of benign for this disease.

Eurofins Ntd Llc (ga)
Classification: Benign. Last evaluated: 2015-12-22. Review status: criteria provided, single submitter. Criteria: EGL Classification Definitions 2015. Collection method: clinical testing. Allele origin: germline. Observed: 1 variant allele, 1 heterozygote.

Breakthrough Genomics
Classification: Benign. Review status: criteria provided, single submitter. Criteria: ACMG Guidelines, 2015. Collection method: not provided. Allele origin: germline. Inheritance: Autosomal dominant inheritance. Affected: yes.

Literature cited by the submitters: PubMed 35982159 (cited by Mayo Clinic Laboratories, Mayo Clinic).

NM_017534.6(MYH2):c.2967A>G (p.Ala989=)

Genes: MYH2 (myosin heavy chain 2; minus strand), MYHAS (myosin heavy chain gene cluster antisense RNA; plus strand). Cytogenetic location: 17p13.1.
Variant type: single nucleotide variant.
Coding change: c.2967A>G on transcript NM_017534.6 (MANE Select); coding-DNA position 2967, A replaced by G.
Protein change: p.Ala989=; no amino-acid change (alanine 989 retained).
Molecular consequence: synonymous variant.
Genome position (GRCh38, 1-based): chr17:10,529,714, T>C on the plus strand (A>G on the coding strand, the complement: MYH2 is on the minus strand). VCF-style: chr17-10529714-T-C. GRCh37 (hg19) VCF-style: chr17-10433031-T-C.
Other names: p.Ala989=; c.2967A>G, p.Ala989= (NM_001100112.2).
Identifiers: ClinVar variation 285372 (VCV000285372.48), dbSNP rs113190032, ClinGen allele CA8391027.